The following is an entry in ClinVar:

NM_001326331.2(CELF2):c.50T>C (p.Leu17Ser)

Gene: CELF2 (CUGBP Elav-like family member 2; plus strand). Cytogenetic location: 10p14.
Variant type: single nucleotide variant.
Coding change: c.50T>C on transcript NM_001326331.2; coding-DNA position 50, T replaced by C.
Protein change: p.Leu17Ser; replaces leucine 17 with serine.
Molecular consequence: missense variant. On other transcripts: intron variant (13), 5 prime UTR variant (2).
Genome position (GRCh38, 1-based): chr10:11,005,437, T>C. VCF-style: chr10-11005437-T-C. GRCh37 (hg19) VCF-style: chr10-11047400-T-C.
Other names: c.-20+85438T>C (NM_001326318.2, NM_001326317.2, NM_001326324.2 and 4 more transcripts); c.146+85438T>C (NM_001326325.2); c.89+85438T>C (NM_001326327.2, NM_001326326.2); c.-20+439T>C (NM_001326330.2, NM_001326329.2); c.50T>C, p.Leu17Ser (NM_001326332.2, NM_001326335.2, NM_001326336.2 and 3 more transcripts); c.-555T>C (NM_001326333.2); c.-208T>C (NM_001326334.2); c.-20+64983T>C (NM_001326319.2); short protein forms L17S.
Identifiers: ClinVar variation 3048917 (VCV003048917.2), dbSNP rs200779130, ClinGen allele CA5404619.

ClinVar aggregate classification (germline): Likely benign (0 of 4 stars; one submission).

Conditions:
CELF2-related disorder. Also called: CELF2-related condition.

Allele frequency attached by ClinVar (database versions not stated): gnomAD 0.00027; gnomAD exomes 0.00038; ESP Exome Variant Server 0.00066; TOPMed 0.00022; ExAC 0.00024.
gnomAD v4.1: 591 of 1,613,816 alleles (0.037%); highest among the groups gnomAD compares: Non-Finnish European, 0.045%; no homozygotes.

Submission:

PreventionGenetics, part of Exact Sciences
Classification: Likely benign for CELF2-related condition. Last evaluated: 2022-05-06. Review status: no assertion criteria provided. Collection method: clinical testing. Allele origin: germline.
Comment: This variant is classified as likely benign based on ACMG/AMP sequence variant interpretation guidelines (Richards et al. 2015 PMID: 25741868, with internal and published modifications).